The following is an entry in ClinVar:

NM_001370298.3(FGD4):c.167-29728T>C

Gene: FGD4 (FYVE, RhoGEF and PH domain containing 4; plus strand). Cytogenetic location: 12p11.21.
Variant type: single nucleotide variant.
Coding change: c.167-29728T>C on transcript NM_001370298.3 (MANE Select); 29728 bases into the intron before coding-DNA position 167, T replaced by C.
Molecular consequence: intron variant. On other transcripts: 5 prime UTR variant (4).
Genome position (GRCh38, 1-based): chr12:32,534,409, T>C. VCF-style: chr12-32534409-T-C. GRCh37 (hg19) VCF-style: chr12-32687343-T-C.
Other names: NM_001304480.1:c.2T>C; c.-335T>C (NM_001384128.1, NM_001384132.1, NM_001385118.1); c.-430T>C (NM_001384130.1); c.167-29728T>C (NM_001384126.1); c.11-29728T>C (NM_001304481.2); c.-340-29728T>C (NM_001330374.2, NM_001330373.2); c.-245-29728T>C (NM_139241.3, NM_001384127.1, NM_001384131.1); c.-1396-29728T>C (NM_001304484.2); and 2 more.
Identifiers: ClinVar variation 806857 (VCV000806857.47), dbSNP rs561223009, ClinGen allele CA6506521.

ClinVar aggregate classification (germline): Conflicting classifications of pathogenicity. Review status: criteria provided, conflicting classifications (1 of 4 stars). 5 submissions from 5 submitters: Uncertain significance (2); Likely benign (1). 2 of the submissions do not count toward it. Last evaluated 2025-03-26.

Conditions:
Charcot-Marie-Tooth disease. Also called: Charcot-Marie-Tooth Neuropathy; Charcot-Marie-Tooth Hereditary Neuropathy. Identifiers: Orphanet 166, MedGen C0007959, MONDO:0015626.
FGD4-related disorder. Also called: FGD4-related condition.

Allele frequency attached by ClinVar (database versions not stated): ExAC 0.00035; TOPMed 0.00057; gnomAD exomes 0.00058 and 0.00117; gnomAD 0.00060 and 0.00065.
gnomAD v4.1: 1,631 of 1,507,940 alleles (0.11%); highest among the groups gnomAD compares: Non-Finnish European, 0.14%; 3 homozygotes.

Submissions (5):

PreventionGenetics, part of Exact Sciences
Classification: Likely benign for FGD4-related condition. Last evaluated: 2025-03-26. Review status: criteria provided, single submitter. Criteria: ACMG Guidelines, 2015. Collection method: clinical testing. Allele origin: germline.
Comment: This variant is classified as likely benign based on ACMG/AMP sequence variant interpretation guidelines (Richards et al. 2015 PMID: 25741868, with internal and published modifications).

Department of Pathology and Laboratory Medicine, Sinai Health System
Classification: Uncertain significance for Charcot-Marie-Tooth disease. Last evaluated: 2022-06-23. Review status: criteria provided, single submitter. Criteria: ACMG Guidelines, 2015. Collection method: research. Allele origin: germline.

CeGaT Center for Human Genetics Tuebingen
Classification: Uncertain significance. Last evaluated: 2019-06-01. Review status: criteria provided, single submitter. Criteria: CeGaT Center For Human Genetics Tuebingen Variant Classification Criteria Version 2. Collection method: clinical testing. Allele origin: germline. Affected: yes. Observed: 1 variant allele.

Genome Diagnostics Laboratory, University Medical Center Utrecht
Classification: Uncertain significance. Review status: no assertion criteria provided. Collection method: clinical testing. Allele origin: germline. Affected: yes. Study: VKGL Data-share Consensus. Not counted in ClinVar's aggregate classification.

Joint Genome Diagnostic Labs from Nijmegen and Maastricht, Radboudumc and MUMC+
Classification: Uncertain significance. Review status: no assertion criteria provided. Collection method: clinical testing. Allele origin: germline. Affected: yes. Study: VKGL Data-share Consensus. Not counted in ClinVar's aggregate classification.